The following is an entry in ClinVar:

ClinVar aggregate classification (germline): Uncertain significance (1 of 4 stars; one submission).

Conditions:
Hereditary cancer-predisposing syndrome. Also called: Hereditary Cancer Syndrome; Hereditary neoplastic syndrome; Neoplastic Syndromes, Hereditary; Tumor predisposition. Identifiers: Orphanet 140162, MedGen C0027672, MeSH D009386, MONDO:0015356.

Submission:

Ambry Genetics
Classification: Uncertain significance for Hereditary cancer-predisposing syndrome. Last evaluated: 2026-06-16. Review status: criteria provided, single submitter. Criteria: Ambry Variant Classification Scheme 2023. Collection method: clinical testing. Allele origin: germline.
Comment: The p.L169R variant (also known as c.506T>G), located in coding exon 4 of the FH gene, results from a T to G substitution at nucleotide position 506. The leucine at codon 169 is replaced by arginine, an amino acid with dissimilar properties. This amino acid position is highly conserved in available vertebrate species. In addition, this alteration is predicted to be deleterious by in silico analysis. Based on the available evidence, the clinical significance of this variant remains unclear.

NM_000143.4(FH):c.506T>G (p.Leu169Arg)

Gene: FH (fumarate hydratase; minus strand). Cytogenetic location: 1q43.
Variant type: single nucleotide variant.
Coding change: c.506T>G on transcript NM_000143.4 (MANE Select); coding-DNA position 506, T replaced by G.
Protein change: p.Leu169Arg; replaces leucine 169 with arginine.
Molecular consequence: missense variant.
Genome position (GRCh38, 1-based): chr1:241,512,016, A>C on the plus strand (T>G on the coding strand, the complement: FH is on the minus strand). VCF-style: chr1-241512016-A-C. GRCh37 (hg19) VCF-style: chr1-241675316-A-C.
Other names: short protein forms L169R.
Identifiers: ClinVar variation 3850234 (VCV003850234.2).